The following is an entry in ClinVar:

NM_004655.4(AXIN2):c.776_793dup (p.Thr264_Glu265insAlaSerValArgSerThr)

Gene: AXIN2 (axin 2; minus strand). Cytogenetic location: 17q24.1.
Variant type: Duplication.
Coding change: c.776_793dup on transcript NM_004655.4 (MANE Select); coding-DNA positions 776 to 793, 18 bases duplicated (CGAGTGTGAGGTCCACGG).
Protein change: p.Thr264_Glu265insAlaSerValArgSerThr.
Molecular consequence: inframe insertion.
Genome position (GRCh38, 1-based): chr17:65,557,828-65,557,845, CCGTGGACCTCACACTCG duplicated on the plus strand (CGAGTGTGAGGTCCACGG on the coding strand, the reverse complement: AXIN2 is on the minus strand); duplicating any 18 consecutive bases within chr17:65,557,828-65,557,851 gives the same sequence; the c. name uses the placement nearest the transcript's 3' end. VCF-style (leftmost placement, unchanged base first): chr17-65557827-T-TCCGTGGACCTCACACTCG. GRCh37 (hg19) VCF-style: chr17-63553945-T-TCCGTGGACCTCACACTCG.
Other names: c.776_793dup, p.Thr264_Glu265insAlaSerValArgSerThr (NM_001363813.1); c.776_793dupCGAGTGTGAGGTCCACGG (NM_004655.3).
Identifiers: ClinVar variation 1920260 (VCV001920260.6), dbSNP rs2544246914, ClinGen allele CA2580094986.

ClinVar aggregate classification (germline): Uncertain significance. Review status: criteria provided, multiple submitters, no conflicts (2 of 4 stars). 2 submissions from 2 submitters: Uncertain significance (2). Last evaluated 2025-05-15.

Conditions:
Hereditary cancer-predisposing syndrome. Also called: Hereditary Cancer Syndrome; Hereditary neoplastic syndrome; Neoplastic Syndromes, Hereditary; Tumor predisposition. Identifiers: Orphanet 140162, MedGen C0027672, MeSH D009386, MONDO:0015356.
Oligodontia-cancer predisposition syndrome. Also called: TOOTH AGENESIS-COLORECTAL CANCER SYNDROME. Identifiers: Orphanet 300576, MedGen C1837750, MONDO:0012075, OMIM 608615. Disease mechanism: loss of function.

Submissions (2):

Ambry Genetics
Classification: Uncertain significance for Hereditary cancer-predisposing syndrome. Last evaluated: 2025-05-15. Review status: criteria provided, single submitter. Criteria: Ambry Variant Classification Scheme 2023. Collection method: clinical testing. Allele origin: germline.
Comment: The c.776_793dup18 variant (also known as p.A259_T264dup), located in coding exon 1 of the AXIN2 gene, results from an in-frame duplication of 18 nucleotides at nucleotide positions 776 to 793. This results in the duplication of 6 extra residues (ASVRST) between codons 259 and 264. In addition, this variant is predicted to be neutral by in silico analysis (Choi Y et al. PLoS ONE. 2012; 7(10):e46688). Based on the available evidence, the clinical significance of this variant remains unclear.

Labcorp Genetics (formerly Invitae), Labcorp
Classification: Uncertain significance for Oligodontia-cancer predisposition syndrome. Last evaluated: 2024-04-04. Review status: criteria provided, single submitter. Criteria: Invitae Variant Classification Sherloc (09022015). Collection method: clinical testing. Allele origin: germline.
Comment: This variant, c.776_793dup, results in the insertion of 6 amino acid(s) of the AXIN2 protein (p.Ala259_Thr264dup), but otherwise preserves the integrity of the reading frame. This variant is not present in population databases (gnomAD no frequency). This variant has not been reported in the literature in individuals affected with AXIN2-related conditions. ClinVar contains an entry for this variant (Variation ID: 1920260). RNA analysis performed to evaluate the impact of this variant on mRNA splicing indicates it does not significantly alter splicing (Invitae). In summary, the available evidence is currently insufficient to determine the role of this variant in disease. Therefore, it has been classified as a Variant of Uncertain Significance.